The following is an entry in ClinVar:

NM_001297.5(CNGB1):c.956A>G (p.Asp319Gly)

Gene: CNGB1 (cyclic nucleotide gated channel subunit beta 1; minus strand). Cytogenetic location: 16q21.
Variant type: single nucleotide variant.
Coding change: c.956A>G on transcript NM_001297.5 (MANE Select); coding-DNA position 956, A replaced by G.
Protein change: p.Asp319Gly; replaces aspartic acid 319 with glycine.
Molecular consequence: missense variant.
Genome position (GRCh38, 1-based): chr16:57,950,459, T>C on the plus strand (A>G on the coding strand, the complement: CNGB1 is on the minus strand). VCF-style: chr16-57950459-T-C. GRCh37 (hg19) VCF-style: chr16-57984363-T-C.
Other names: c.938A>G, p.Asp313Gly (NM_001286130.2); short protein forms D319G, D313G.
Identifiers: ClinVar variation 962644 (VCV000962644.9), dbSNP rs1961919691, ClinGen allele CA396075627.

ClinVar aggregate classification (germline): Uncertain significance (1 of 4 stars; one submission).

Submission:

Labcorp Genetics (formerly Invitae), Labcorp
Classification: Uncertain significance. Last evaluated: 2022-10-18. Review status: criteria provided, single submitter. Criteria: Invitae Variant Classification Sherloc (09022015). Collection method: clinical testing. Allele origin: germline.
Comment: This variant has not been reported in the literature in individuals affected with CNGB1-related conditions. ClinVar contains an entry for this variant (Variation ID: 962644). Advanced modeling of protein sequence and biophysical properties (such as structural, functional, and spatial information, amino acid conservation, physicochemical variation, residue mobility, and thermodynamic stability) performed at Invitae indicates that this missense variant is not expected to disrupt CNGB1 protein function. Algorithms developed to predict the effect of sequence changes on RNA splicing suggest that this variant may disrupt the consensus splice site. In summary, the available evidence is currently insufficient to determine the role of this variant in disease. Therefore, it has been classified as a Variant of Uncertain Significance. This variant is not present in population databases (gnomAD no frequency). This sequence change replaces aspartic acid, which is acidic and polar, with glycine, which is neutral and non-polar, at codon 319 of the CNGB1 protein (p.Asp319Gly).